The following is an entry in ClinVar:

NM_001023570.4(IQCB1):c.1279-8del

Gene: IQCB1 (IQ motif containing B1; minus strand). Cytogenetic location: 3q13.33.
Variant type: Deletion.
Coding change: c.1279-8del on transcript NM_001023570.4 (MANE Select); 8 bases into the intron before coding-DNA position 1279, one base deleted (T; older notation c.1279-8delT).
Molecular consequence: intron variant.
Genome position (GRCh38, 1-based): chr3:121,781,882, A deleted on the plus strand (T on the coding strand, the reverse complement: IQCB1 is on the minus strand); the first of 8 consecutive A bases (chr3:121,781,882-121,781,889); deleting any one gives the same sequence. VCF-style (leftmost placement, unchanged base first): chr3-121781881-GA-G. GRCh37 (hg19) VCF-style: chr3-121500728-GA-G.
Other names: NC_000003.11:g.121500736del; c.1279-8del (NM_001319107.2); c.880-8del (NM_001023571.4); c.1279-15del (NM_001023570.4); c.1279-8delT (NM_001023570.3).
Identifiers: ClinVar variation 1562021 (VCV001562021.10), dbSNP rs758519096, ClinGen allele CA2567141.

ClinVar aggregate classification (germline): Benign/Likely benign. Review status: criteria provided, multiple submitters, no conflicts (2 of 4 stars). 2 submissions from 2 submitters: Benign (1); Likely benign (1). Last evaluated 2026-01-17.

Conditions:
IQCB1-related disorder. Also called: IQCB1-related condition.
Nephronophthisis. Also called: Juvenile Nephronophthisis. Identifiers: Orphanet 655, MedGen C0687120, MONDO:0019005, HP:0000090.

Submissions (4):

Labcorp Genetics (formerly Invitae), Labcorp
Classification: Benign for Nephronophthisis. Last evaluated: 2026-01-17. Review status: criteria provided, single submitter. Criteria: Invitae Variant Classification Sherloc (09022015). Collection method: clinical testing. Allele origin: germline.

PreventionGenetics, part of Exact Sciences
Classification: Likely benign for IQCB1-related condition. Last evaluated: 2025-06-23. Review status: criteria provided, single submitter. Criteria: ACMG Guidelines, 2015. Collection method: clinical testing. Allele origin: germline.
Comment: This variant is classified as likely benign based on ACMG/AMP sequence variant interpretation guidelines (Richards et al. 2015 PMID: 25741868, with internal and published modifications).

Dr. Peter K. Rogan Lab, Western University
No classification provided (evidence only). Condition: Familial cancer of breast. Review status: no classification provided. Collection method: in vitro. Allele origin: not applicable. Functional consequence: retained intron. Not counted in ClinVar's aggregate classification.

Dr. Peter K. Rogan Lab, Western University
No classification provided (evidence only). Condition: Gastric cancer. Review status: no classification provided. Collection method: in vitro. Allele origin: not applicable. Functional consequence: retained intron. Not counted in ClinVar's aggregate classification.